The following is an entry in ClinVar:

NM_138420.4(AHNAK2):c.3548A>C (p.Glu1183Ala)

Gene: AHNAK2 (AHNAK nucleoprotein 2; minus strand). Cytogenetic location: 14q32.33.
Variant type: single nucleotide variant.
Coding change: c.3548A>C on transcript NM_138420.4 (MANE Select); coding-DNA position 3548, A replaced by C.
Protein change: p.Glu1183Ala; replaces glutamic acid 1183 with alanine.
Molecular consequence: missense variant.
Genome position (GRCh38, 1-based): chr14:104,951,903, T>G on the plus strand (A>C on the coding strand, the complement: AHNAK2 is on the minus strand). VCF-style: chr14-104951903-T-G. GRCh37 (hg19) VCF-style: chr14-105418240-T-G.
Other names: c.3248A>C, p.Glu1083Ala (NM_001350929.2); short protein forms E1083A, E1183A.
Identifiers: ClinVar variation 2331248 (VCV002331248.26), dbSNP rs185623099, ClinGen allele CA7382946.

ClinVar aggregate classification (germline): Conflicting classifications of pathogenicity. Review status: criteria provided, conflicting classifications (1 of 4 stars). 2 submissions from 2 submitters: Uncertain significance (1); Likely benign (1). Last evaluated 2025-09-26.

Allele frequency attached by ClinVar (database versions not stated): 1000 Genomes Project 0.00100; 1000 Genomes Project 30x 0.00125; gnomAD 0.00179; ESP Exome Variant Server 0.00181; TOPMed 0.00199.
gnomAD v4.1: 4,057 of 1,609,774 alleles (0.25%); highest among the groups gnomAD compares: Non-Finnish European, 0.31%; 27 homozygotes.

Submissions (2):

Ambry Genetics
Classification: Uncertain significance. Last evaluated: 2025-09-26. Review status: criteria provided, single submitter. Criteria: Ambry Variant Classification Scheme 2023. Collection method: clinical testing. Allele origin: germline.

CeGaT Center for Human Genetics Tuebingen
Classification: Likely benign. Last evaluated: 2025-09-01. Review status: criteria provided, single submitter. Criteria: CeGaT Center For Human Genetics Tuebingen Variant Classification Criteria Version 2. Collection method: clinical testing. Allele origin: germline. Affected: yes. Observed: 5 variant alleles.
Comment: AHNAK2: BP4, BS2